The following is an entry in ClinVar:

NM_000138.5(FBN1):c.73G>T (p.Ala25Ser)

Genes: FBN1 (fibrillin 1; minus strand), LOC130057019 (ATAC-STARR-seq lymphoblastoid silent region 6417; plus strand). Cytogenetic location: 15q21.1.
Variant type: single nucleotide variant.
Coding change: c.73G>T on transcript NM_000138.5 (MANE Select); coding-DNA position 73, G replaced by T.
Protein change: p.Ala25Ser; replaces alanine 25 with serine.
Molecular consequence: missense variant.
Genome position (GRCh38, 1-based): chr15:48,644,697, C>A on the plus strand (G>T on the coding strand, the complement: FBN1 is on the minus strand). VCF-style: chr15-48644697-C-A. GRCh37 (hg19) VCF-style: chr15-48936894-C-A.
Other names: c.73G>T, p.Ala25Ser (NM_001406716.1, NM_001406717.1, NM_001406718.1); short protein forms A25S.
Identifiers: ClinVar variation 2949259 (VCV002949259.3), dbSNP rs2505822123, ClinGen allele CA392453751.

ClinVar aggregate classification (germline): Uncertain significance (1 of 4 stars; one submission).

Conditions:
Marfan syndrome (MFS). Also called: MARFAN SYNDROME, TYPE I; Marfan syndrome type 1; Marfan's syndrome; Marfan syndrome, classic; FBN1-Related Marfan Syndrome. Identifiers: Orphanet 284963, Orphanet 558, MedGen C0024796, MONDO:0007947, OMIM 154700.
Familial thoracic aortic aneurysm and aortic dissection (TAAD). Also called: Thoracic aortic aneurysms and dissections. Identifiers: Orphanet 91387, MedGen C4707243, MONDO:0019625.

Submission:

Labcorp Genetics (formerly Invitae), Labcorp
Classification: Uncertain significance for Marfan syndrome; Familial thoracic aortic aneurysm and aortic dissection. Last evaluated: 2023-06-24. Review status: criteria provided, single submitter. Criteria: Invitae Variant Classification Sherloc (09022015). Collection method: clinical testing. Allele origin: germline.
Comment: In summary, the available evidence is currently insufficient to determine the role of this variant in disease. Therefore, it has been classified as a Variant of Uncertain Significance. Advanced modeling of protein sequence and biophysical properties (such as structural, functional, and spatial information, amino acid conservation, physicochemical variation, residue mobility, and thermodynamic stability) performed at Invitae indicates that this missense variant is not expected to disrupt FBN1 protein function. This variant has not been reported in the literature in individuals affected with FBN1-related conditions. This variant is not present in population databases (gnomAD no frequency). This sequence change replaces alanine, which is neutral and non-polar, with serine, which is neutral and polar, at codon 25 of the FBN1 protein (p.Ala25Ser).